The following is an entry in ClinVar:

NM_013444.4(UBQLN2):c.1827C>A (p.Gly609=)

Gene: UBQLN2 (ubiquilin 2; plus strand). Cytogenetic location: Xp11.21.
Variant type: single nucleotide variant.
Coding change: c.1827C>A on transcript NM_013444.4 (MANE Select); coding-DNA position 1827, C replaced by A.
Protein change: p.Gly609=; no amino-acid change (glycine 609 retained).
Molecular consequence: synonymous variant.
Genome position (GRCh38, 1-based): chrX:56,565,700, C>A. VCF-style: chrX-56565700-C-A. GRCh37 (hg19) VCF-style: chrX-56592133-C-A.
Identifiers: ClinVar variation 4748563 (VCV004748563.1).

ClinVar aggregate classification (germline): Uncertain significance (1 of 4 stars; one submission).

Conditions:
Amyotrophic lateral sclerosis type 15. Also called: AMYOTROPHIC LATERAL SCLEROSIS 15 WITH FRONTOTEMPORAL DEMENTIA. Identifiers: Orphanet 803, MedGen C3275459, MONDO:0010459, OMIM 300857.

Submission:

Labcorp Genetics (formerly Invitae), Labcorp
Classification: Uncertain significance for Amyotrophic lateral sclerosis type 15. Last evaluated: 2025-03-06. Review status: criteria provided, single submitter. Criteria: Invitae Variant Classification Sherloc (09022015). Collection method: clinical testing. Allele origin: germline.
Comment: This sequence change affects codon 609 of the UBQLN2 mRNA. It is a 'silent' change, meaning that it does not change the encoded amino acid sequence of the UBQLN2 protein. The frequency data for this variant in the population databases is considered unreliable, as metrics indicate poor data quality at this position in the gnomAD database. This variant has not been reported in the literature in individuals affected with UBQLN2-related conditions. In summary, the available evidence is currently insufficient to determine the role of this variant in disease. Therefore, it has been classified as a Variant of Uncertain Significance.